The following is an entry in ClinVar:

ClinVar aggregate classification (germline): Uncertain significance (1 of 4 stars; one submission).

Submission:

GeneDx
Classification: Uncertain significance. Last evaluated: 2022-10-18. Review status: criteria provided, single submitter. Criteria: GeneDx Variant Classification Process June 2021. Collection method: clinical testing. Allele origin: germline. Affected: yes.
Comment: Not observed at significant frequency in large population cohorts (gnomAD); In silico analysis supports that this missense variant does not alter protein structure/function; Has not been previously published as pathogenic or benign to our knowledge

NM_015559.3(SETBP1):c.4093G>C (p.Ala1365Pro)

Gene: SETBP1 (SET binding protein 1; plus strand). Cytogenetic location: 18q12.3.
Variant type: single nucleotide variant.
Coding change: c.4093G>C on transcript NM_015559.3 (MANE Select); coding-DNA position 4093, G replaced by C.
Protein change: p.Ala1365Pro; replaces alanine 1365 with proline.
Molecular consequence: missense variant. On other transcripts: intron variant (1).
Genome position (GRCh38, 1-based): chr18:45,038,577, G>C. VCF-style: chr18-45038577-G-C. GRCh37 (hg19) VCF-style: chr18-42618542-G-C.
Other names: c.4093G>C, p.Ala1365Pro (NM_001379141.1, NM_001379142.1); c.4001-24502G>C (NM_001410862.1); short protein forms A1365P.
Identifiers: ClinVar variation 2499895 (VCV002499895.1), dbSNP rs2511320025, ClinGen allele CA402482508.